The following is an entry in ClinVar:

NM_024312.5(GNPTAB):c.3250-10_3335+112dup

Gene: GNPTAB (N-acetylglucosamine-1-phosphate transferase subunits alpha and beta; minus strand). Cytogenetic location: 12q23.2.
Variant type: Duplication.
Coding change: c.3250-10_3335+112dup on transcript NM_024312.5 (MANE Select); 10 bases into the intron before coding-DNA position 3250 through 112 bases into the intron after coding-DNA position 3335, 208 bases duplicated.
Molecular consequence: splice acceptor variant, splice donor variant.
Genome position (GRCh38, 1-based): chr12:101,757,460-101,757,667, 208 bases duplicated. GRCh37 (hg19): chr12:102,151,244-102,151,451.
Identifiers: ClinVar variation 397571 (VCV000397571.3), dbSNP rs1555268712, ClinGen allele CA16609425.

ClinVar aggregate classification (germline): Likely pathogenic (1 of 4 stars; one submission).

Conditions:
Mucolipidosis type II. Also called: ML II ALPHA/BETA; Mucolipidosis 2; ML 2; Inclusion cell disease; Leroy Disease; N-acetylglucosamine 1phosphotransferase deficiency. Identifiers: Orphanet 576, MedGen C2673377, MONDO:0009650, OMIM 252500.
Pseudo-Hurler polydystrophy. Also called: ML III; ML III ALPHA/BETA; Mucolipidosis III Alpha/Beta; Type III Mucolipidosis; ML IIIA; MUCOLIPIDOSIS IIIA. Identifiers: Orphanet 423461, Orphanet 577, MedGen C0033788, MONDO:0018931, OMIM 252600.

Submission:

Diagnostics Division, CENTRE FOR DNA FINGERPRINTING AND DIAGNOSTICS
Classification: Likely pathogenic for Mucolipidosis type II; Pseudo-Hurler polydystrophy. Last evaluated: 2016-01-01. Review status: criteria provided, single submitter. Criteria: ACMG Guidelines, 2015. Collection method: research. Allele origin: unknown. Affected: yes. Observed: 1 homozygote.
Comment: Duplication variant